The following is an entry in ClinVar:

ClinVar aggregate classification (germline): Conflicting classifications of pathogenicity. Review status: criteria provided, conflicting classifications (1 of 4 stars). 5 submissions from 5 submitters: Uncertain significance (4); Likely benign (1). Last evaluated 2025-09-16.

Conditions:
Hereditary cancer-predisposing syndrome. Also called: Neoplastic Syndromes, Hereditary; Tumor predisposition; Hereditary Cancer Syndrome; Hereditary neoplastic syndrome. Identifiers: Orphanet 140162, MedGen C0027672, MeSH D009386, MONDO:0015356.
BRCA2-related disorder. Also called: BRCA2-related condition; BRCA2-related disorders. Identifiers: MedGen CN239275.
Hereditary breast ovarian cancer syndrome. Also called: Hereditary breast and ovarian cancer; Hereditary breast and/or ovarian cancer syndrome; BRCA1- and BRCA2-Associated Hereditary Breast and Ovarian Cancer; Hereditary breast and ovarian cancer syndrome (HBOC); Hereditary breast and ovarian cancer syndrome; Breast and ovarian cancer. Identifiers: Orphanet 145, MedGen C0677776, MeSH D061325, MONDO:0003582. Disease mechanism: loss of function.

Submissions (5):

Labcorp Genetics (formerly Invitae), Labcorp
Classification: Uncertain significance for Hereditary breast ovarian cancer syndrome. Last evaluated: 2025-09-16. Review status: criteria provided, single submitter. Criteria: Invitae Variant Classification Sherloc (09022015). Collection method: clinical testing. Allele origin: germline.
Comment: This sequence change replaces asparagine, which is neutral and polar, with histidine, which is basic and polar, at codon 1657 of the BRCA2 protein (p.Asn1657His). This variant is not present in population databases (gnomAD no frequency). This variant has not been reported in the literature in individuals affected with BRCA2-related conditions. ClinVar contains an entry for this variant (Variation ID: 186255). Invitae Evidence Modeling of protein sequence and biophysical properties (such as structural, functional, and spatial information, amino acid conservation, physicochemical variation, residue mobility, and thermodynamic stability) indicates that this missense variant is not expected to disrupt BRCA2 protein function with a negative predictive value of 95%. In summary, the available evidence is currently insufficient to determine the role of this variant in disease. Therefore, it has been classified as a Variant of Uncertain Significance.

Ambry Genetics
Classification: Uncertain significance for Hereditary cancer-predisposing syndrome. Last evaluated: 2023-10-23. Review status: criteria provided, single submitter. Criteria: Ambry Variant Classification Scheme 2023. Collection method: clinical testing. Allele origin: germline.
Comment: The p.N1657H variant (also known as c.4969A>C), located in coding exon 10 of the BRCA2 gene, results from an A to C substitution at nucleotide position 4969. The asparagine at codon 1657 is replaced by histidine, an amino acid with similar properties. This amino acid position is poorly conserved in available vertebrate species. In addition, this alteration is predicted to be tolerated by in silico analysis. Since supporting evidence is limited at this time, the clinical significance of this alteration remains unclear.

PreventionGenetics, part of Exact Sciences
Classification: Uncertain significance for BRCA2-related condition. Last evaluated: 2023-06-14. Review status: criteria provided, single submitter. Criteria: ACMG Guidelines, 2015. Collection method: clinical testing. Allele origin: germline.
Comment: The BRCA2 c.4969A>C variant is predicted to result in the amino acid substitution p.Asn1657His. To our knowledge, this variant has not been reported in the literature or in a large population database, indicating this variant is rare. This variant is reported in ClinVar as uncertain and likely benign. At this time, the clinical significance of this variant is uncertain due to the absence of conclusive functional and genetic evidence.

University of Washington Department of Laboratory Medicine, University of Washington
Classification: Likely benign for Hereditary cancer-predisposing syndrome. Last evaluated: 2023-03-23. Review status: criteria provided, single submitter. Criteria: Dines et al. (Genet Med. 2020). Collection method: curation. Allele origin: germline.
Comment: Missense variant in a coldspot region where missense variants are very unlikely to be pathogenic (PMID:31911673).

BRCA2 exon 11 coldspot. Reclassification based on statistical prior probability.

GeneDx
Classification: Uncertain significance. Last evaluated: 2019-04-17. Review status: criteria provided, single submitter. Criteria: GeneDx Variant Classification Process June 2021. Collection method: clinical testing. Allele origin: germline. Affected: yes.
Comment: Not observed in large population cohorts (Lek et al., 2016); Has not been previously published as pathogenic or benign to our knowledge

NM_000059.4(BRCA2):c.4969A>C (p.Asn1657His)

Gene: BRCA2 (BRCA2 DNA repair associated; plus strand). Cytogenetic location: 13q13.1.
Variant type: single nucleotide variant.
Coding change: c.4969A>C on transcript NM_000059.4 (MANE Select); coding-DNA position 4969, A replaced by C.
Protein change: p.Asn1657His; replaces asparagine 1657 with histidine.
Molecular consequence: missense variant.
Genome position (GRCh38, 1-based): chr13:32,339,324, A>C. VCF-style: chr13-32339324-A-C. GRCh37 (hg19) VCF-style: chr13-32913461-A-C.
Other names: short protein forms N1657H.
Identifiers: ClinVar variation 186255 (VCV000186255.21), dbSNP rs587781599, ClinGen allele CA021077.